The following is an entry in ClinVar:

NM_016938.5(EFEMP2):c.397G>A (p.Asp133Asn)

Gene: EFEMP2 (EGF-like fibulin extracellular matrix protein 2; minus strand). Cytogenetic location: 11q13.1.
Variant type: single nucleotide variant.
Coding change: c.397G>A on transcript NM_016938.5 (MANE Select); coding-DNA position 397, G replaced by A.
Protein change: p.Asp133Asn; replaces aspartic acid 133 with asparagine.
Molecular consequence: missense variant. On other transcripts: non-coding transcript variant (1).
Genome position (GRCh38, 1-based): chr11:65,870,629, C>T on the plus strand (G>A on the coding strand, the complement: EFEMP2 is on the minus strand). VCF-style: chr11-65870629-C-T. GRCh37 (hg19) VCF-style: chr11-65638100-C-T.
Other names: short protein forms D133N.
Identifiers: ClinVar variation 305382 (VCV000305382.53), dbSNP rs766172211, ClinGen allele CA6110677.
Genomic context (GRCh38, chr11:65,870,629, plus strand): 5'-CAGGGCAGGTGCACTGATAGGAGCCAGGCAAGTTATGGCAGTCCTGGCTGGGGCGACAGT[C>T]GTGCAGGGCCTGGGCACACTCGTCCACATCTGCGAGAGACACCACTCAGCCCCTGCCTGG-3'
Protein context (NP_058634.4, residues 123-143): DVDECAQALH[Asp133Asn]CRPSQDCHNL

ClinVar aggregate classification (germline): Uncertain significance. Review status: criteria provided, multiple submitters, no conflicts (2 of 4 stars). 4 submissions from 4 submitters: Uncertain significance (4). Last evaluated 2024-09-19.

Conditions:
Cutis laxa, autosomal recessive, type 1B (ARCL1B). Also called: CUTIS LAXA, AUTOSOMAL RECESSIVE, TYPE IB; EFEMP2-Related Cutis Laxa. Identifiers: Orphanet 90349, MedGen C3280798, MONDO:0013754, OMIM 614437. Disease mechanism: loss of function.

Allele frequency attached by ClinVar (database versions not stated): TOPMed 0.00001.
gnomAD v4.1: 27 of 1,614,068 alleles (0.0017%); highest among the groups gnomAD compares: South Asian, 0.0022%; no homozygotes.

Submissions (4):

Labcorp Genetics (formerly Invitae), Labcorp
Classification: Uncertain significance for Cutis laxa, autosomal recessive, type 1B. Last evaluated: 2024-09-19. Review status: criteria provided, single submitter. Criteria: Invitae Variant Classification Sherloc (09022015). Collection method: clinical testing. Allele origin: germline.
Comment: This sequence change replaces aspartic acid, which is acidic and polar, with asparagine, which is neutral and polar, at codon 133 of the EFEMP2 protein (p.Asp133Asn). This variant is present in population databases (rs766172211, gnomAD 0.01%). This variant has not been reported in the literature in individuals affected with EFEMP2-related conditions. ClinVar contains an entry for this variant (Variation ID: 305382). Invitae Evidence Modeling of protein sequence and biophysical properties (such as structural, functional, and spatial information, amino acid conservation, physicochemical variation, residue mobility, and thermodynamic stability) indicates that this missense variant is not expected to disrupt EFEMP2 protein function with a negative predictive value of 80%. In summary, the available evidence is currently insufficient to determine the role of this variant in disease. Therefore, it has been classified as a Variant of Uncertain Significance.

Illumina Laboratory Services, Illumina
Classification: Uncertain significance for Cutis laxa, autosomal recessive, type 1B. Last evaluated: 2018-01-13. Review status: criteria provided, single submitter. Criteria: ICSL Variant Classification Criteria 13 December 2019. Collection method: clinical testing. Allele origin: germline.

CeGaT Center for Human Genetics Tuebingen
Classification: Uncertain significance. Last evaluated: 2017-08-01. Review status: criteria provided, single submitter. Criteria: CeGaT Center For Human Genetics Tuebingen Variant Classification Criteria Version 2. Collection method: clinical testing. Allele origin: germline. Affected: yes. Observed: 1 variant allele.

GeneDx
Classification: Uncertain significance. Last evaluated: 2017-07-11. Review status: criteria provided, single submitter. Criteria: GeneDx Variant Classification (06012015). Collection method: clinical testing. Allele origin: germline. Affected: yes.
Comment: A variant of uncertain significance has been identified in the EFEMP2 gene. The D133N variant has not been published as pathogenic or been reported as benign to our knowledge. This variant is observed in 5/66126 (0.01%) alleles from individuals of European (Non-Finnish) ancestry in the Exome Aggregation Consortium (ExAC) dataset (Lek et al., 2016; Exome Variant Server). The D133N variant is a semi-conservative amino acid substitution, which may impact secondary protein structure as these residues differ in some properties. However, this substitution occurs at a position that is only conserved in mammals. Finally, in silico analysis is inconsistent in its predictions as to whether or not the variant is damaging to the protein structure/function.